The following is an entry in ClinVar:

NM_016222.4(DDX41):c.1430C>T (p.Ala477Val)

Gene: DDX41 (DEAD-box helicase 41; minus strand). Cytogenetic location: 5q35.3.
Variant type: single nucleotide variant.
Coding change: c.1430C>T on transcript NM_016222.4 (MANE Select); coding-DNA position 1430, C replaced by T.
Protein change: p.Ala477Val; replaces alanine 477 with valine.
Molecular consequence: missense variant.
Genome position (GRCh38, 1-based): chr5:177,512,615, G>A on the plus strand (C>T on the coding strand, the complement: DDX41 is on the minus strand). VCF-style: chr5-177512615-G-A. GRCh37 (hg19) VCF-style: chr5-176939616-G-A.
Other names: c.1052C>T, p.Ala351Val (NM_001321732.2, NM_001321830.2); short protein forms A477V, A351V.
Identifiers: ClinVar variation 4617149 (VCV004617149.1).

ClinVar aggregate classification (germline): Uncertain significance (1 of 4 stars; one submission).

Conditions:
Inborn genetic diseases. Identifiers: MedGen C0950123, MeSH D030342.

Submission:

Ambry Genetics
Classification: Uncertain significance for Inborn genetic diseases. Last evaluated: 2025-10-10. Review status: criteria provided, single submitter. Criteria: Ambry Variant Classification Scheme 2023. Collection method: clinical testing. Allele origin: germline.
Comment: The p.A477V variant (also known as c.1430C>T), located in coding exon 14 of the DDX41 gene, results from a C to T substitution at nucleotide position 1430. The alanine at codon 477 is replaced by valine, an amino acid with similar properties. This amino acid position is conserved. In addition, the in silico prediction for this alteration is inconclusive. Based on the available evidence, the clinical significance of this variant remains unclear.